The following is an entry in ClinVar:

NM_001407.3(CELSR3):c.9478C>T (p.Arg3160Cys)

Gene: CELSR3 (cadherin EGF LAG seven-pass G-type receptor 3; minus strand). Cytogenetic location: 3p21.31.
Variant type: single nucleotide variant.
Coding change: c.9478C>T on transcript NM_001407.3 (MANE Select); coding-DNA position 9478, C replaced by T.
Protein change: p.Arg3160Cys; replaces arginine 3160 with cysteine.
Molecular consequence: missense variant.
Genome position (GRCh38, 1-based): chr3:48,640,107, G>A on the plus strand (C>T on the coding strand, the complement: CELSR3 is on the minus strand). VCF-style: chr3-48640107-G-A. GRCh37 (hg19) VCF-style: chr3-48677540-G-A.
Other names: short protein forms R3160C.
Identifiers: ClinVar variation 3051719 (VCV003051719.2), dbSNP rs200877975, ClinGen allele CA2383534.
Genomic context (GRCh38, chr3:48,640,107, plus strand): 5'-GTTGCCGCTGGGGAGACAGGGGCAGAGGTGGGGGCTGTGGGTCAAGGTCCCGGGTGCGGC[G>A]GGGCGGAGGCAGCGTGCTCAACCACTCTCGAGGTGCCCCTAAGTCGAGCGCATCCCGTGA-3'
Protein context (NP_001398.2, residues 3150-3170): REWLSTLPPP[Arg3160Cys]RTRDLDPQPP

ClinVar aggregate classification (germline): Likely benign (0 of 4 stars; one submission).

Conditions:
CELSR3-related disorder. Also called: CELSR3-related condition.

Allele frequency attached by ClinVar (database versions not stated): gnomAD exomes 0.00009; gnomAD 0.00019; TOPMed 0.00022; ExAC 0.00027; 1000 Genomes Project 0.00060; 1000 Genomes Project 30x 0.00078.
gnomAD v4.1: 176 of 1,611,480 alleles (0.011%); highest among the groups gnomAD compares: East Asian, 0.13%; 1 homozygote.

Submission:

PreventionGenetics, part of Exact Sciences
Classification: Likely benign for CELSR3-related condition. Last evaluated: 2022-05-05. Review status: no assertion criteria provided. Collection method: clinical testing. Allele origin: germline.
Comment: This variant is classified as likely benign based on ACMG/AMP sequence variant interpretation guidelines (Richards et al. 2015 PMID: 25741868, with internal and published modifications).